The following is an entry in ClinVar:

NM_005591.4(MRE11):c.914G>A (p.Arg305Gln)

Gene: MRE11 (MRE11 double strand break repair nuclease; minus strand). Cytogenetic location: 11q21.
Variant type: single nucleotide variant.
Coding change: c.914G>A on transcript NM_005591.4 (MANE Select); coding-DNA position 914, G replaced by A.
Protein change: p.Arg305Gln; replaces arginine 305 with glutamine.
Molecular consequence: missense variant.
Genome position (GRCh38, 1-based): chr11:94,470,574, C>T on the plus strand (G>A on the coding strand, the complement: MRE11 is on the minus strand). VCF-style: chr11-94470574-C-T. GRCh37 (hg19) VCF-style: chr11-94203740-C-T.
Other names: c.914G>A, p.Arg305Gln (NM_001330347.2, NM_005590.4); short protein forms R305Q.
Identifiers: ClinVar variation 306491 (VCV000306491.21), dbSNP rs752483206, ClinGen allele CA6235263.
Genomic context (GRCh38, chr11:94,470,574, plus strand): 5'-TTATCTGGGTTAAAAATGTCTGGATGATTAGCTAGAACAATATCCTCCATGAAAAACTGC[C>T]GCACTGTGTGAAGAGGAATTTTATGCATATTCATCTTCCTCCCTTTAATACGCAGCAAAC-3'
Protein context (NP_005582.1, residues 295-315): NMHKIPLHTV[Arg305Gln]QFFMEDIVLA

ClinVar aggregate classification (germline): Uncertain significance. Review status: criteria provided, multiple submitters, no conflicts (2 of 4 stars). 4 submissions from 4 submitters: Uncertain significance (4). Last evaluated 2025-12-29.

Conditions:
Hereditary cancer-predisposing syndrome. Also called: Neoplastic Syndromes, Hereditary; Tumor predisposition; Hereditary Cancer Syndrome; Hereditary neoplastic syndrome. Identifiers: Orphanet 140162, MedGen C0027672, MeSH D009386, MONDO:0015356.
Ataxia-telangiectasia-like disorder 1 (ATLD1). Identifiers: Orphanet 251347, MedGen C4012790, MONDO:0024557, OMIM 604391.
Ataxia-telangiectasia-like disorder (ATLD). Identifiers: MedGen C1858391, MONDO:0011457.

Allele frequency attached by ClinVar (database versions not stated): TOPMed below 0.00001.
gnomAD v4.1: 10 of 1,613,176 alleles (0.00062%); highest among the groups gnomAD compares: East Asian, 0.0022%; no homozygotes.

Submissions (4):

Center for Genomic Medicine, Rigshospitalet, Copenhagen University Hospital
Classification: Uncertain significance. Last evaluated: 2025-12-29. Review status: criteria provided, single submitter. Criteria: ACMG Guidelines, 2015. Collection method: clinical testing. Allele origin: germline.
Comment: Classification criteria: PM2_Supporting, PP3_Moderate(+3), PM5_Supporting

Ambry Genetics
Classification: Uncertain significance for Hereditary cancer-predisposing syndrome. Last evaluated: 2025-05-25. Review status: criteria provided, single submitter. Criteria: Ambry Variant Classification Scheme 2023. Collection method: clinical testing. Allele origin: germline.
Comment: The p.R305Q variant (also known as c.914G>A), located in coding exon 8 of the MRE11A gene, results from a G to A substitution at nucleotide position 914. The arginine at codon 305 is replaced by glutamine, an amino acid with highly similar properties. This amino acid position is highly conserved in available vertebrate species. In addition, this alteration is predicted to be deleterious by in silico analysis. Since supporting evidence is limited at this time, the clinical significance of this alteration remains unclear.

Labcorp Genetics (formerly Invitae), Labcorp
Classification: Uncertain significance for Ataxia-telangiectasia-like disorder. Last evaluated: 2023-03-31. Review status: criteria provided, single submitter. Criteria: Invitae Variant Classification Sherloc (09022015). Collection method: clinical testing. Allele origin: germline.
Comment: This variant is present in population databases (rs752483206, gnomAD 0.003%). This sequence change replaces arginine, which is basic and polar, with glutamine, which is neutral and polar, at codon 305 of the MRE11 protein (p.Arg305Gln). In summary, the available evidence is currently insufficient to determine the role of this variant in disease. Therefore, it has been classified as a Variant of Uncertain Significance. An algorithm developed to predict the effect of missense changes on protein structure and function (PolyPhen-2) suggests that this variant is likely to be disruptive. ClinVar contains an entry for this variant (Variation ID: 306491). This variant has not been reported in the literature in individuals affected with MRE11-related conditions.

Illumina Laboratory Services, Illumina
Classification: Uncertain significance for Ataxia-telangiectasia-like disorder 1. Last evaluated: 2018-01-12. Review status: criteria provided, single submitter. Criteria: ICSL Variant Classification Criteria 13 December 2019. Collection method: clinical testing. Allele origin: germline.

Literature cited by the submitters: PubMed 14684699 (cited by Center for Genomic Medicine, Rigshospitalet, Copenhagen University Hospital); PubMed 33956305 (cited by Center for Genomic Medicine, Rigshospitalet, Copenhagen University Hospital).